The following is an entry in ClinVar:

ClinVar aggregate classification (germline): Uncertain significance (1 of 4 stars; one submission).

Submission:

Labcorp Genetics (formerly Invitae), Labcorp
Classification: Uncertain significance. Last evaluated: 2022-12-20. Review status: criteria provided, single submitter. Criteria: Invitae Variant Classification Sherloc (09022015). Collection method: clinical testing. Allele origin: germline.
Comment: This variant is not present in population databases (gnomAD no frequency). In summary, the available evidence is currently insufficient to determine the role of this variant in disease. Therefore, it has been classified as a Variant of Uncertain Significance. Advanced modeling of protein sequence and biophysical properties (such as structural, functional, and spatial information, amino acid conservation, physicochemical variation, residue mobility, and thermodynamic stability) performed at Invitae indicates that this missense variant is not expected to disrupt ADCY1 protein function. This variant has not been reported in the literature in individuals affected with ADCY1-related conditions. This sequence change replaces glycine, which is neutral and non-polar, with aspartic acid, which is acidic and polar, at codon 93 of the ADCY1 protein (p.Gly93Asp).

NM_021116.4(ADCY1):c.278G>A (p.Gly93Asp)

Genes: ADCY1 (adenylate cyclase 1; plus strand), LOC129998402 (ATAC-STARR-seq lymphoblastoid silent region 18165; plus strand). Cytogenetic location: 7p12.3.
Variant type: single nucleotide variant.
Coding change: c.278G>A on transcript NM_021116.4 (MANE Select); coding-DNA position 278, G replaced by A.
Protein change: p.Gly93Asp; replaces glycine 93 with aspartic acid.
Molecular consequence: missense variant. On other transcripts: intron variant (1).
Genome position (GRCh38, 1-based): chr7:45,574,821, G>A. VCF-style: chr7-45574821-G-A. GRCh37 (hg19) VCF-style: chr7-45614420-G-A.
Other names: c.-330-68G>A (NM_001281768.2); short protein forms G93D.
Identifiers: ClinVar variation 2820381 (VCV002820381.3), dbSNP rs2483863861, ClinGen allele CA367558380.